The following is an entry in ClinVar:

NM_005267.5(GJA8):c.596C>T (p.Pro199Leu)

Gene: GJA8 (gap junction protein alpha 8; plus strand). Cytogenetic location: 1q21.2.
Variant type: single nucleotide variant.
Coding change: c.596C>T on transcript NM_005267.5 (MANE Select); coding-DNA position 596, C replaced by T.
Protein change: p.Pro199Leu; replaces proline 199 with leucine.
Molecular consequence: missense variant.
Genome position (GRCh38, 1-based): chr1:147,908,551, C>T. VCF-style: chr1-147908551-C-T. GRCh37 (hg19) VCF-style: chr1-147380678-C-T.
Other names: short protein forms P199L.
Identifiers: ClinVar variation 4076753 (VCV004076753.1).

ClinVar aggregate classification (germline): Uncertain significance (1 of 4 stars; one submission).

Submission:

GeneDx
Classification: Uncertain significance. Last evaluated: 2025-02-21. Review status: criteria provided, single submitter. Criteria: GeneDx Variant Classification Process June 2021. Collection method: clinical testing. Allele origin: germline. Affected: yes.
Comment: Not observed at significant frequency in large population cohorts (gnomAD); In silico analysis supports that this missense variant has a deleterious effect on protein structure/function; Has not been previously published as pathogenic or benign to our knowledge